The following is an entry in ClinVar:

ClinVar aggregate classification (germline): Uncertain significance (1 of 4 stars; one submission).

Conditions:
Hereditary cancer-predisposing syndrome. Also called: Neoplastic Syndromes, Hereditary; Tumor predisposition; Hereditary neoplastic syndrome; Hereditary Cancer Syndrome. Identifiers: Orphanet 140162, MedGen C0027672, MeSH D009386, MONDO:0015356.

Submission:

Ambry Genetics
Classification: Uncertain significance for Hereditary cancer-predisposing syndrome. Last evaluated: 2026-09-10. Review status: criteria provided, single submitter. Criteria: Ambry Variant Classification Scheme 2023. Collection method: clinical testing. Allele origin: germline.
Comment: The c.4081T>A variant (also known as p.*1361Kext*29), located in coding exon 10 of the MSH6 gene, results from a T to A substitution at nucleotide position 4081. This alteration disrupts the stop codon of the MSH6 gene and is predicted to preserve the native sequence while resulting in the elongation of the protein by 29 amino acids. The exact functional effect of the additional amino acids is unknown. Based on the available evidence, the clinical significance of this variant remains unclear.

NM_000179.3(MSH6):c.4081T>A (p.Ter1361Lys)

Gene: MSH6 (mutS homolog 6; plus strand). Cytogenetic location: 2p16.3.
Variant type: single nucleotide variant.
Coding change: c.4081T>A on transcript NM_000179.3 (MANE Select); coding-DNA position 4081, T replaced by A.
Protein change: p.Ter1361Lys.
Molecular consequence: stop lost. On other transcripts: 3 prime UTR variant (5), non-coding transcript variant (5).
Genome position (GRCh38, 1-based): chr2:47,806,858, T>A. VCF-style: chr2-47806858-T-A. GRCh37 (hg19) VCF-style: chr2-48033997-T-A.
Other names: c.3691T>A, p.Ter1231Lys (NM_001281492.2); c.3175T>A, p.Ter1059Lys (NM_001281493.2, NM_001281494.2, NM_001406811.1 and 6 more transcripts); c.4177T>A, p.Ter1393Lys (NM_001406795.1); c.4081T>A, p.Ter1361Lys (NM_001406796.1, NM_001406809.1); c.3784T>A, p.Ter1262Lys (NM_001406797.1, NM_001406805.1, NM_001406818.1 and 8 more transcripts); c.3907T>A, p.Ter1303Lys (NM_001406798.1); c.3556T>A, p.Ter1186Lys (NM_001406799.1, NM_001406806.1, NM_001406807.1); c.*102T>A (NM_001406800.1); and 9 more.
Identifiers: ClinVar variation 5024856 (VCV005024856.1).